The following is an entry in ClinVar:

NM_002860.4(ALDH18A1):c.164G>A (p.Arg55His)

Gene: ALDH18A1 (aldehyde dehydrogenase 18 family member A1; minus strand). Cytogenetic location: 10q24.1.
Variant type: single nucleotide variant.
Coding change: c.164G>A on transcript NM_002860.4 (MANE Select); coding-DNA position 164, G replaced by A.
Protein change: p.Arg55His; replaces arginine 55 with histidine.
Molecular consequence: missense variant. On other transcripts: intron variant (4).
Genome position (GRCh38, 1-based): chr10:95,643,131, C>T on the plus strand (G>A on the coding strand, the complement: ALDH18A1 is on the minus strand). VCF-style: chr10-95643131-C-T. GRCh37 (hg19) VCF-style: chr10-97402888-C-T.
Other names: c.164G>A, p.Arg55His (NM_001017423.2, NM_001323413.2, NM_001323414.2 and 2 more transcripts); c.-78-9482G>A (NM_001323419.2); c.-30-5695G>A (NM_001323412.2, NM_001323418.2, NM_001323416.2); short protein forms R55H.
Identifiers: ClinVar variation 863417 (VCV000863417.12), dbSNP rs754880517, ClinGen allele CA5620670.

ClinVar aggregate classification (germline): Uncertain significance. Review status: criteria provided, multiple submitters, no conflicts (2 of 4 stars). 2 submissions from 2 submitters: Uncertain significance (2). Last evaluated 2025-12-09.

Conditions:
Autosomal dominant spastic paraplegia type 9. Identifiers: MedGen C1832669, MONDO:0015091.
de Barsy syndrome. Also called: Cutis laxa-corneal clouding-oligophrenia syndrome. Identifiers: Orphanet 2962, MedGen C0268354, MONDO:0017569.
Cutis laxa, autosomal dominant 3 (ADCL3). Identifiers: Orphanet 90348, MedGen C4225268, MONDO:0014706, OMIM 616603.

Allele frequency attached by ClinVar (database versions not stated): TOPMed 0.00004; gnomAD 0.00001; gnomAD exomes 0.00003; ExAC 0.00004.
gnomAD v4.1: 14 of 1,614,064 alleles (0.00087%); highest among the groups gnomAD compares: Admixed American, 0.0083%; no homozygotes.

Submissions (2):

Labcorp Genetics (formerly Invitae), Labcorp
Classification: Uncertain significance for Autosomal dominant spastic paraplegia type 9; de Barsy syndrome; Cutis laxa, autosomal dominant 3. Last evaluated: 2025-12-09. Review status: criteria provided, single submitter. Criteria: Invitae Variant Classification Sherloc (09022015). Collection method: clinical testing. Allele origin: germline.
Comment: This sequence change replaces arginine, which is basic and polar, with histidine, which is basic and polar, at codon 55 of the ALDH18A1 protein (p.Arg55His). This variant is present in population databases (rs754880517, gnomAD 0.01%). This variant has not been reported in the literature in individuals affected with ALDH18A1-related conditions. ClinVar contains an entry for this variant (Variation ID: 863417). An algorithm developed to predict the effect of missense changes on protein structure and function (PolyPhen-2) suggests that this variant is likely to be tolerated. In summary, the available evidence is currently insufficient to determine the role of this variant in disease. Therefore, it has been classified as a Variant of Uncertain Significance.

Revvity Omics, Revvity
Classification: Uncertain significance. Last evaluated: 2022-10-04. Review status: criteria provided, single submitter. Criteria: ACMG Guidelines, 2015. Collection method: clinical testing. Allele origin: germline.